The following is an entry in ClinVar:

ClinVar aggregate classification (germline): Uncertain significance (1 of 4 stars; one submission).

Conditions:
NRP2-related disorder. Also called: NRP2-related condition.

gnomAD v4.1: 1 of 1,614,162 alleles (0.000062%); highest among the groups gnomAD compares: Non-Finnish European, 0.000085%; no homozygotes.

Submission:

PreventionGenetics, part of Exact Sciences
Classification: Uncertain significance for NRP2-related condition. Last evaluated: 2026-03-26. Review status: criteria provided, single submitter. Criteria: ACMG Guidelines, 2015. Collection method: clinical testing. Allele origin: germline.
Comment: The NRP2 c.271C>T variant is predicted to result in the amino acid substitution p.Arg91Trp. To our knowledge, this variant has not been reported in the literature or in a large population database (gnomAD), indicating this variant is rare. At this time, the clinical significance of this variant is uncertain due to the absence of conclusive functional and genetic evidence.

NM_003872.3(NRP2):c.271C>T (p.Arg91Trp)

Gene: NRP2 (neuropilin 2; plus strand). Cytogenetic location: 2q33.3.
Variant type: single nucleotide variant.
Coding change: c.271C>T on transcript NM_003872.3 (MANE Select); coding-DNA position 271, C replaced by T.
Protein change: p.Arg91Trp; replaces arginine 91 with tryptophan.
Molecular consequence: missense variant.
Genome position (GRCh38, 1-based): chr2:205,716,212, C>T. VCF-style: chr2-205716212-C-T. GRCh37 (hg19) VCF-style: chr2-206580936-C-T.
Other names: c.271C>T, p.Arg91Trp (NM_018534.4, NM_201264.2, NM_201266.2 and 2 more transcripts); short protein forms R91W.
Identifiers: ClinVar variation 4991936 (VCV004991936.1).
Genomic context (GRCh38, chr2:205,716,212, plus strand): 5'-CCTTCGAGTGATCTTTTCTTGTCTGTGCCATCCCCACCCAGGTATGACTTTATCGAGATT[C>T]GGGATGGGGACAGTGAATCCGCAGACCTCCTGGGCAAACACTGTGGGAACATCGCCCCGC-3'
Protein context (NP_003863.2, residues 81-101): HDCKYDFIEI[Arg91Trp]DGDSESADLL